The following is an entry in ClinVar:

NM_001243177.4(ALDOA):c.563G>A (p.Arg188His)

Genes: ALDOA (aldolase, fructose-bisphosphate A; plus strand), LOC112694756 (uncharaterized LOC112694756; plus strand). Cytogenetic location: 16p11.2.
Variant type: single nucleotide variant.
Coding change: c.563G>A on transcript NM_001243177.4 (MANE Select); coding-DNA position 563, G replaced by A.
Protein change: p.Arg188His; replaces arginine 188 with histidine.
Molecular consequence: missense variant. On other transcripts: 3 prime UTR variant (3).
Genome position (GRCh38, 1-based): chr16:30,068,839, G>A. VCF-style: chr16-30068839-G-A. GRCh37 (hg19) VCF-style: chr16-30080160-G-A.
Other names: c.401G>A (NM_184041.4); c.*910G>A (NM_001365304.2, NM_001365305.2, NM_001365307.2); c.401G>A, p.Arg134His (NM_001127617.2, NM_184041.5, NM_184043.2); short protein forms R134H, R188H.
Identifiers: ClinVar variation 1015557 (VCV001015557.7), dbSNP rs778814633, ClinGen allele CA8000991.

ClinVar aggregate classification (germline): Uncertain significance. Review status: criteria provided, multiple submitters, no conflicts (2 of 4 stars). 2 submissions from 2 submitters: Uncertain significance (2). Last evaluated 2024-03-05.

Conditions:
HNSHA due to aldolase A deficiency (GSD12). Also called: GSD XII; RED CELL ALDOLASE DEFICIENCY; GLYCOGEN STORAGE DISEASE XII; Glycogen storage disease due to aldolase A deficiency. Identifiers: Orphanet 57, MedGen C0272066, MONDO:0012747, OMIM 611881.

Allele frequency attached by ClinVar (database versions not stated): gnomAD 0.00001 and 0.00002; gnomAD exomes 0.00001 and 0.00003; ExAC 0.00002.
gnomAD v4.1: 13 of 1,614,120 alleles (0.00081%); highest among the groups gnomAD compares: East Asian, 0.0067%; no homozygotes.

Submissions (2):

Revvity Omics, Revvity
Classification: Uncertain significance for HNSHA due to aldolase A deficiency. Last evaluated: 2024-03-05. Review status: criteria provided, single submitter. Criteria: ACMG Guidelines, 2015. Collection method: clinical testing. Allele origin: germline.

Labcorp Genetics (formerly Invitae), Labcorp
Classification: Uncertain significance for HNSHA due to aldolase A deficiency. Last evaluated: 2022-07-11. Review status: criteria provided, single submitter. Criteria: Invitae Variant Classification Sherloc (09022015). Collection method: clinical testing. Allele origin: germline.
Comment: This sequence change replaces arginine, which is basic and polar, with histidine, which is basic and polar, at codon 134 of the ALDOA protein (p.Arg134His). This variant is present in population databases (rs778814633, gnomAD 0.02%). This variant has not been reported in the literature in individuals affected with ALDOA-related conditions. ClinVar contains an entry for this variant (Variation ID: 1015557). Algorithms developed to predict the effect of missense changes on protein structure and function are either unavailable or do not agree on the potential impact of this missense change (SIFT: "Tolerated"; PolyPhen-2: "Possibly Damaging"; Align-GVGD: "Class C0"). In summary, the available evidence is currently insufficient to determine the role of this variant in disease. Therefore, it has been classified as a Variant of Uncertain Significance.